The following is an entry in ClinVar:

ClinVar aggregate classification (germline): Uncertain significance. Review status: criteria provided, multiple submitters, no conflicts (2 of 4 stars). 2 submissions from 2 submitters: Uncertain significance (2). Last evaluated 2026-01-11.

Conditions:
Neurodevelopmental disorder with microcephaly, impaired language, and gait abnormalities. Identifiers: MedGen C5436783, MONDO:0100348, OMIM 619091.

Allele frequency attached by ClinVar (database versions not stated): gnomAD exomes 0.00001; gnomAD 0.00001; TOPMed below 0.00001.
gnomAD v4.1: 14 of 1,577,948 alleles (0.00089%); highest among the groups gnomAD compares: East Asian, 0.0023%; no homozygotes.

Submissions (2):

3billion
Classification: Uncertain significance for Neurodevelopmental disorder with microcephaly, impaired language, and gait abnormalities. Last evaluated: 2026-01-11. Review status: criteria provided, single submitter. Criteria: ACMG Guidelines, 2015. Collection method: clinical testing. Allele origin: germline. Affected: yes.
Comment: The variant is observed at an extremely low frequency in the gnomAD v4.1.0 dataset (total allele frequency: <0.001%). Predicted Consequence/Location: Missense variant The variant has been reported as of uncertain significance (ClinVar ID: VCV001316049). Therefore, this variant is classified as VUS according to the recommendation of ACMG/AMP guideline.

GeneDx
Classification: Uncertain significance. Last evaluated: 2020-01-13. Review status: criteria provided, single submitter. Criteria: GeneDx Variant Classification Process June 2021. Collection method: clinical testing. Allele origin: germline. Affected: yes.
Comment: Not observed in large population cohorts (Lek et al., 2016); In silico analysis, which includes protein predictors and evolutionary conservation, supports a deleterious effect; Has not been previously published as pathogenic or benign to our knowledge; Variants in candidate genes are classified as variants of uncertain significance in accordance with ACMG guidelines (Richards et al., 2015)

NM_004539.4(NARS1):c.426G>T (p.Lys142Asn)

Gene: NARS1 (asparaginyl-tRNA synthetase 1; minus strand). Cytogenetic location: 18q21.31.
Variant type: single nucleotide variant.
Coding change: c.426G>T on transcript NM_004539.4 (MANE Select); coding-DNA position 426, G replaced by T.
Protein change: p.Lys142Asn; replaces lysine 142 with asparagine.
Molecular consequence: missense variant.
Genome position (GRCh38, 1-based): chr18:57,611,703, C>A on the plus strand (G>T on the coding strand, the complement: NARS1 is on the minus strand). VCF-style: chr18-57611703-C-A. GRCh37 (hg19) VCF-style: chr18-55278935-C-A.
Other names: short protein forms K142N.
Identifiers: ClinVar variation 1316049 (VCV001316049.3), dbSNP rs2051606357, ClinGen allele CA402551558.
Genomic context (GRCh38, chr18:57,611,703, plus strand): 5'-ATCCGCCAAGACACACTGAAGATAACCTGTACCATCTCGCAACACCAGAAACATTAAATT[C>A]TTTCCTAAAAAATGAGAAATAATAATTTAGGCAGACTGTTCTCAAGGCATTAAATTTTAT-3'
Protein context (NP_004530.1, residues 132-152): GWVHRLRRQG[Lys142Asn]NLMFLVLRDG